The following is an entry in ClinVar:

NM_001040108.2(MLH3):c.3943G>A (p.Glu1315Lys)

Gene: MLH3 (mutL homolog 3; minus strand). Cytogenetic location: 14q24.3.
Variant type: single nucleotide variant.
Coding change: c.3943G>A on transcript NM_001040108.2 (MANE Select); coding-DNA position 3943, G replaced by A.
Protein change: p.Glu1315Lys; replaces glutamic acid 1315 with lysine.
Molecular consequence: missense variant.
Genome position (GRCh38, 1-based): chr14:75,030,587, C>T on the plus strand (G>A on the coding strand, the complement: MLH3 is on the minus strand). VCF-style: chr14-75030587-C-T. GRCh37 (hg19) VCF-style: chr14-75497290-C-T.
Other names: c.3871G>A, p.Glu1291Lys (NM_014381.3); short protein forms E1291K, E1315K.
Identifiers: ClinVar variation 2904410 (VCV002904410.3), dbSNP rs768721931, ClinGen allele CA7275295.

ClinVar aggregate classification (germline): Uncertain significance (1 of 4 stars; one submission).

Conditions:
Colorectal cancer, hereditary nonpolyposis, type 7. Identifiers: Orphanet 144, MedGen C1858380, MONDO:0013725, OMIM 614385.

Allele frequency attached by ClinVar (database versions not stated): ExAC 0.00001; gnomAD exomes 0.00001.
gnomAD v4.1: 7 of 1,614,136 alleles (0.00043%); highest among the groups gnomAD compares: Non-Finnish European, 0.00059%; no homozygotes.

Submission:

Labcorp Genetics (formerly Invitae), Labcorp
Classification: Uncertain significance for Colorectal cancer, hereditary nonpolyposis, type 7. Last evaluated: 2024-02-08. Review status: criteria provided, single submitter. Criteria: Invitae Variant Classification Sherloc (09022015). Collection method: clinical testing. Allele origin: germline.
Comment: This sequence change replaces glutamic acid, which is acidic and polar, with lysine, which is basic and polar, at codon 1315 of the MLH3 protein (p.Glu1315Lys). This variant is present in population databases (rs768721931, gnomAD 0.0009%). This variant has not been reported in the literature in individuals affected with MLH3-related conditions. An algorithm developed to predict the effect of missense changes on protein structure and function (PolyPhen-2) suggests that this variant is likely to be disruptive. In summary, the available evidence is currently insufficient to determine the role of this variant in disease. Therefore, it has been classified as a Variant of Uncertain Significance.